The following is an entry in ClinVar:

ClinVar aggregate classification (germline): Likely benign. Review status: criteria provided, multiple submitters, no conflicts (2 of 4 stars). 2 submissions from 2 submitters: Likely benign (2). Last evaluated 2025-12-01.

Allele frequency attached by ClinVar (database versions not stated): TOPMed 0.00007; ESP Exome Variant Server 0.00008; ExAC 0.00010; gnomAD 0.00011 and 0.00013; gnomAD exomes 0.00014 and 0.00019.
gnomAD v4.1: 286 of 1,613,544 alleles (0.018%); highest among the groups gnomAD compares: Non-Finnish European, 0.02%; no homozygotes.

Submissions (2):

CeGaT Center for Human Genetics Tuebingen
Classification: Likely benign. Last evaluated: 2025-12-01. Review status: criteria provided, single submitter. Criteria: CeGaT Center For Human Genetics Tuebingen Variant Classification Criteria Version 2. Collection method: clinical testing. Allele origin: germline. Affected: yes. Observed: 2 variant alleles.
Comment: GABRB1: BP4, BP7

Labcorp Genetics (formerly Invitae), Labcorp
Classification: Likely benign. Last evaluated: 2025-08-15. Review status: criteria provided, single submitter. Criteria: Invitae Variant Classification Sherloc (09022015). Collection method: clinical testing. Allele origin: germline.

NM_000812.4(GABRB1):c.237T>C (p.Asn79=)

Gene: GABRB1 (gamma-aminobutyric acid type A receptor subunit beta1; plus strand). Cytogenetic location: 4p12.
Variant type: single nucleotide variant.
Coding change: c.237T>C on transcript NM_000812.4 (MANE Select); coding-DNA position 237, T replaced by C.
Protein change: p.Asn79=; no amino-acid change (asparagine 79 retained).
Molecular consequence: synonymous variant.
Genome position (GRCh38, 1-based): chr4:47,032,481, T>C. VCF-style: chr4-47032481-T-C. GRCh37 (hg19) VCF-style: chr4-47034498-T-C.
Identifiers: ClinVar variation 762428 (VCV000762428.31), dbSNP rs372567401, ClinGen allele CA2907481.